The following is an entry in ClinVar:

NM_153717.3(EVC):c.2080C>T (p.Gln694Ter)

Gene: EVC (EvC ciliary complex subunit 1; plus strand). Cytogenetic location: 4p16.2.
Variant type: single nucleotide variant.
Coding change: c.2080C>T on transcript NM_153717.3 (MANE Select); coding-DNA position 2080, C replaced by T.
Protein change: p.Gln694Ter; replaces glutamine 694 with a stop codon.
Molecular consequence: nonsense.
Genome position (GRCh38, 1-based): chr4:5,797,215, C>T. VCF-style: chr4-5797215-C-T. GRCh37 (hg19) VCF-style: chr4-5798942-C-T.
Other names: c.2080C>T, p.Gln694Ter (NM_001306090.2); short protein forms Q694*.
Identifiers: ClinVar variation 5013700 (VCV005013700.1).

ClinVar aggregate classification (germline): Pathogenic (1 of 4 stars; one submission).

Conditions:
Ellis-van Creveld syndrome (EVC). Also called: MESOECTODERMAL DYSPLASIA; Chondroectodermal dysplasia. Identifiers: Orphanet 289, MedGen C0013903, MONDO:0009162, OMIM 225500.

Submission:

Myriad Genetics, Inc.
Classification: Pathogenic for Ellis-van Creveld syndrome. Last evaluated: 2024-08-18. Review status: criteria provided, single submitter. Criteria: Myriad Autosomal Dominant, Autosomal Recessive and X-Linked Classification Criteria (2023). Collection method: clinical testing. Allele origin: unknown.
Comment: NM_153717.2(EVC):c.2080C>T(Q694*) is expected to be pathogenic in the context of EVC-related Ellis-van Creveld syndrome. This variant is predicted to lead to an abnormal or absent protein product due to the creation of a premature termination codon in EVC, a gene where loss-of-function variants are known to be pathogenic. Please note: this variant was assessed in the context of healthy population screening.